The following is an entry in ClinVar:

NM_004006.3(DMD):c.10397A>C (p.Asp3466Ala)

Gene: DMD (dystrophin; minus strand). Cytogenetic location: Xp21.2.
Variant type: single nucleotide variant.
Coding change: c.10397A>C on transcript NM_004006.3 (MANE Select); coding-DNA position 10397, A replaced by C.
Protein change: p.Asp3466Ala; replaces aspartic acid 3466 with alanine.
Molecular consequence: missense variant. On other transcripts: intron variant (2).
Genome position (GRCh38, 1-based): chrX:31,169,599, T>G on the plus strand (A>C on the coding strand, the complement: DMD is on the minus strand). VCF-style: chrX-31169599-T-G. GRCh37 (hg19) VCF-style: chrX-31187716-T-G.
Other names: c.10373A>C, p.Asp3458Ala (NM_000109.4); c.10385A>C, p.Asp3462Ala (NM_004009.3); c.10028A>C, p.Asp3343Ala (NM_004010.3); c.6374A>C, p.Asp2125Ala (NM_004011.4); c.6365A>C, p.Asp2122Ala (NM_004012.4); c.3017A>C, p.Asp1006Ala (NM_004013.3, NM_004021.3); c.2210A>C, p.Asp737Ala (NM_004014.3); c.1193A>C, p.Asp398Ala (NM_004015.3, NM_004016.3); and 3 more; short protein forms D993A, D2125A, D398A, D2122A, D3458A, D3462A, D737A, D1006A.
Identifiers: ClinVar variation 3718192 (VCV003718192.2).

ClinVar aggregate classification (germline): Uncertain significance (1 of 4 stars; one submission).

Conditions:
Duchenne muscular dystrophy (DMD). Also called: Duchenne Muscular Dystrophy (DMD); MUSCULAR DYSTROPHY, PSEUDOHYPERTROPHIC PROGRESSIVE, DUCHENNE TYPE. Identifiers: Orphanet 98896, MedGen C0013264, MONDO:0010679, OMIM 310200.

Submission:

Labcorp Genetics (formerly Invitae), Labcorp
Classification: Uncertain significance for Duchenne muscular dystrophy. Last evaluated: 2024-02-16. Review status: criteria provided, single submitter. Criteria: Invitae Variant Classification Sherloc (09022015). Collection method: clinical testing. Allele origin: germline.
Comment: This sequence change replaces aspartic acid, which is acidic and polar, with alanine, which is neutral and non-polar, at codon 3466 of the DMD protein (p.Asp3466Ala). This variant is not present in population databases (gnomAD no frequency). This variant has not been reported in the literature in individuals affected with DMD-related conditions. An algorithm developed to predict the effect of missense changes on protein structure and function (PolyPhen-2) suggests that this variant is likely to be disruptive. In summary, the available evidence is currently insufficient to determine the role of this variant in disease. Therefore, it has been classified as a Variant of Uncertain Significance.